The following is an entry in ClinVar:

ClinVar aggregate classification (germline): Pathogenic (1 of 4 stars; one submission).

Conditions:
HYPERHOMOCYSTEINEMIA, THROMBOTIC, CBS-RELATED. Identifiers: MedGen C3150344, OMIM 236200.

Submission:

Labcorp Genetics (formerly Invitae), Labcorp
Classification: Pathogenic for HYPERHOMOCYSTEINEMIA, THROMBOTIC, CBS-RELATED. Last evaluated: 2022-07-02. Review status: criteria provided, single submitter. Criteria: Invitae Variant Classification Sherloc (09022015). Collection method: clinical testing. Allele origin: germline.
Comment: This sequence change creates a premature translational stop signal (p.Ile127Leufs*10) in the CBS gene. While this is not anticipated to result in nonsense mediated decay, it is expected to disrupt the last 425 amino acid(s) of the CBS protein. This variant is not present in population databases (gnomAD no frequency). This variant has not been reported in the literature in individuals affected with CBS-related conditions. This variant disrupts a region of the CBS protein in which other variant(s) (p.Lys523Serfs*18) have been determined to be pathogenic (PMID: 12815602, 21520339, 25044645). This suggests that this is a clinically significant region of the protein, and that variants that disrupt it are likely to be disease-causing. For these reasons, this variant has been classified as Pathogenic.

Literature cited by the submitters: PubMed 12815602; PubMed 21520339; PubMed 25044645.

NM_000071.3(CBS):c.379del (p.Ile127fs)

Gene: CBS (cystathionine beta-synthase; minus strand). Cytogenetic location: 21q22.3.
Variant type: Deletion.
Coding change: c.379del on transcript NM_000071.3 (MANE Select); coding-DNA position 379, one base deleted (A; older notation c.379delA).
Protein change: p.Ile127fs; shifts the reading frame from isoleucine 127.
Molecular consequence: frameshift variant.
Genome position (GRCh38, 1-based): chr21:43,066,315, T deleted on the plus strand (A on the coding strand, the reverse complement: CBS is on the minus strand). VCF-style (leftmost placement, unchanged base first): chr21-43066314-AT-A. GRCh37 (hg19) VCF-style: chr21-44486424-AT-A.
Other names: c.379del, p.Ile127fs (NM_001178008.3, NM_001178009.3, NM_001320298.2); c.64del, p.Ile22fs (NM_001321072.1); short protein forms I22fs, I127fs.
Identifiers: ClinVar variation 2013162 (VCV002013162.4), dbSNP rs2517453736, ClinGen allele CA2580099039.
Genomic context (GRCh38, chr21:43,066,314, plus strand): 5'-GATGTCGGCTCGATAATCGTGTCCCCGGGCTTCAGCGTCCCGTCGCGCTCAGCATCCTCA[AT>A]CATCCGCAGGCTGATGCGGTCCTTCACGCTCCCGCCCGCGTTGAAGAACTCACACTTGGC-3'